The following is an entry in ClinVar:

ClinVar aggregate classification (germline): Uncertain significance (1 of 4 stars; one submission).

Submission:

Ambry Genetics
Classification: Uncertain significance. Last evaluated: 2026-05-30. Review status: criteria provided, single submitter. Criteria: Ambry Variant Classification Scheme 2023. Collection method: clinical testing. Allele origin: germline.
Comment: The p.E281D variant (also known as c.843G>C), located in coding exon 1 of the CDK12 gene, results from a G to C substitution at nucleotide position 843. The glutamic acid at codon 281 is replaced by aspartic acid, an amino acid with highly similar properties. This amino acid position is conserved. In addition, this alteration is predicted to be tolerated by in silico analysis. Based on the available evidence, the clinical significance of this variant remains unclear.

NM_016507.4(CDK12):c.843G>C (p.Glu281Asp)

Genes: CDK12 (cyclin dependent kinase 12; plus strand), LOC126862553 (CDK7 strongly-dependent group 2 enhancer GRCh37_chr17:37618166-37619365; plus strand). Cytogenetic location: 17q12.
Variant type: single nucleotide variant.
Coding change: c.843G>C on transcript NM_016507.4 (MANE Select); coding-DNA position 843, G replaced by C.
Protein change: p.Glu281Asp; replaces glutamic acid 281 with aspartic acid.
Molecular consequence: missense variant.
Genome position (GRCh38, 1-based): chr17:39,462,914, G>C. VCF-style: chr17-39462914-G-C. GRCh37 (hg19) VCF-style: chr17-37619167-G-C.
Other names: c.843G>C, p.Glu281Asp (NM_015083.4); short protein forms E281D.
Identifiers: ClinVar variation 4868566 (VCV004868566.1).